The following is an entry in ClinVar:

NM_006790.3(MYOT):c.212C>G (p.Ala71Gly)

Genes: MYOT (myotilin; plus strand), PKD2L2-DT (PKD2L2 divergent transcript; minus strand). Cytogenetic location: 5q31.2.
Variant type: single nucleotide variant.
Coding change: c.212C>G on transcript NM_006790.3 (MANE Select); coding-DNA position 212, C replaced by G.
Protein change: p.Ala71Gly; replaces alanine 71 with glycine.
Molecular consequence: missense variant. On other transcripts: intron variant (2).
Genome position (GRCh38, 1-based): chr5:137,870,863, C>G. VCF-style: chr5-137870863-C-G. GRCh37 (hg19) VCF-style: chr5-137206552-C-G.
Other names: c.-120-14C>G (NM_001300911.2); c.-197+338C>G (NM_001135940.2); short protein forms A71G.
Identifiers: ClinVar variation 3341482 (VCV003341482.1).
Genomic context (GRCh38, chr5:137,870,863, plus strand): 5'-GATTTTCTGCCTCCTCAACACTGAGCTCTCACATCACCATGTCCTCCTCTGCTTTCCCTG[C>G]TTCTCCCCAGCAGCATGCTGGCTCCAACCCAGGCCAAAGGGTTACAACCACCTATAACCA-3'
Protein context (NP_006781.1, residues 61-81): HITMSSSAFP[Ala71Gly]SPQQHAGSNP

ClinVar aggregate classification (germline): Uncertain significance (1 of 4 stars; one submission).

Conditions:
Myofibrillar myopathy 3 (MFM3). Also called: Autosomal dominant spheroid body myopathy; Muscular dystrophy, proximal, type 1A. Identifiers: Orphanet 266, Orphanet 268129, MedGen C3714934, MONDO:0012215, OMIM 609200.

Submission:

Neuberg Centre For Genomic Medicine, NCGM
Classification: Uncertain significance for Myofibrillar myopathy 3. Last evaluated: 2023-05-20. Review status: criteria provided, single submitter. Criteria: ACMG Guidelines, 2015. Collection method: clinical testing. Allele origin: germline. Inheritance: Autosomal dominant inheritance. Affected: yes.
Comment: The missense c.212C>G (p.Ala71Gly) variant in the MYOT gene has not been reported previously as a pathogenic variant nor as a benign variant, to our knowledge. The variant is absent in gnomAD Exomes. The amino acid Alanine at position 71 is changed to a Glycine changing protein sequence and it might alter its composition and physico-chemical properties. Multiple lines of computational evidence (SIFT - Tolerated and MutationTaster – Disease causing/ Neutral) predict no damaging effect on protein structure and function for this variant. The amino acid change p.Ala71Gly in MYOT is predicted as conserved by GERP++ and PhyloP across 100 vertebrates. For these reasons, this variant has been classified as Uncertain Significance.